The following is an entry in ClinVar:

NM_000199.5(SGSH):c.397C>A (p.Pro133Thr)

Gene: SGSH (N-sulfoglucosamine sulfohydrolase; minus strand). Cytogenetic location: 17q25.3.
Variant type: single nucleotide variant.
Coding change: c.397C>A on transcript NM_000199.5 (MANE Select); coding-DNA position 397, C replaced by A.
Protein change: p.Pro133Thr; replaces proline 133 with threonine.
Molecular consequence: missense variant. On other transcripts: non-coding transcript variant (1).
Genome position (GRCh38, 1-based): chr17:80,214,724, G>T on the plus strand (C>A on the coding strand, the complement: SGSH is on the minus strand). VCF-style: chr17-80214724-G-T. GRCh37 (hg19) VCF-style: chr17-78188523-G-T.
Other names: c.397C>A, p.Pro133Thr (NM_001352921.3, NM_001352922.2); short protein forms P133T.
Identifiers: ClinVar variation 734552 (VCV000734552.14), dbSNP rs199643693, ClinGen allele CA8818030.

ClinVar aggregate classification (germline): Likely benign. Review status: criteria provided, multiple submitters, no conflicts (2 of 4 stars). 3 submissions from 3 submitters: Likely benign (2). 1 of the submissions does not count toward it. Last evaluated 2026-01-19.

Conditions:
Mucopolysaccharidosis, MPS-III-A (MPS3A). Also called: MUCOPOLYSACCHARIDOSIS, TYPE IIIA, ATTENUATED; HEPARAN SULFATE SULFATASE DEFICIENCY; SANFILIPPO SYNDROME A; SULFAMIDASE DEFICIENCY; Mucopolysaccharidosis, type IIIA; MPS III A. Identifiers: Orphanet 581, Orphanet 79269, MedGen C0086647, MONDO:0009655, OMIM 252900.
SGSH-related disorder. Also called: SGSH-related condition.

Allele frequency attached by ClinVar (database versions not stated): TOPMed 0.00009; gnomAD exomes 0.00023 and 0.00007; 1000 Genomes Project 0.00060; gnomAD 0.00006 and 0.00009; ExAC 0.00023; 1000 Genomes Project 30x 0.00062.
gnomAD v4.1: 109 of 1,613,078 alleles (0.0068%); highest among the groups gnomAD compares: East Asian, 0.23%; no homozygotes.

Submissions (3):

Labcorp Genetics (formerly Invitae), Labcorp
Classification: Likely benign for Mucopolysaccharidosis, MPS-III-A. Last evaluated: 2026-01-19. Review status: criteria provided, single submitter. Criteria: Invitae Variant Classification Sherloc (09022015). Collection method: clinical testing. Allele origin: germline.

Blueprint Genetics
Classification: Likely benign. Last evaluated: 2024-06-17. Review status: criteria provided, single submitter. Criteria: ACMG Guidelines, 2015. Collection method: clinical testing. Allele origin: germline.

PreventionGenetics, part of Exact Sciences
Classification: Likely benign for SGSH-related condition. Last evaluated: 2023-09-08. Review status: no assertion criteria provided. Collection method: clinical testing. Allele origin: germline. Not counted in ClinVar's aggregate classification.
Comment: This variant is classified as likely benign based on ACMG/AMP sequence variant interpretation guidelines (Richards et al. 2015 PMID: 25741868, with internal and published modifications).